The following is an entry in ClinVar:

NM_021939.4(FKBP10):c.918-6T>G

Gene: FKBP10 (FKBP prolyl isomerase 10; plus strand). Cytogenetic location: 17q21.2.
Variant type: single nucleotide variant.
Coding change: c.918-6T>G on transcript NM_021939.4 (MANE Select); 6 bases into the intron before coding-DNA position 918, T replaced by G.
Molecular consequence: intron variant.
Genome position (GRCh38, 1-based): chr17:41,819,524, T>G. VCF-style: chr17-41819524-T-G. GRCh37 (hg19) VCF-style: chr17-39975776-T-G.
Identifiers: ClinVar variation 989304 (VCV000989304.4), dbSNP rs2047862318, ClinGen allele CA1139665523.
Genomic context (GRCh38, chr17:41,819,524, plus strand): 5'-TCTGAGCTGCCTGGAAGGGGAGGGCCCCTTTGACTCCCTTCCTGGCCCTCCCGCCTTGTA[T>G]TGCAGCTACTCCCGCAACCACACCTACAATACCTATATCGGGCAGGGTTACATCATCCCC-3'

ClinVar aggregate classification (germline): Likely pathogenic (1 of 4 stars; one submission).

Conditions:
Osteogenesis imperfecta type 11. Also called: OI, TYPE XI; Osteogenesis imperfecta, type XI. Identifiers: Orphanet 666, MedGen C3151218, MONDO:0012592, OMIM 610968.

Submission:

Illumina Laboratory Services, Illumina
Classification: Likely pathogenic for Osteogenesis imperfecta type 11. Last evaluated: 2019-07-31. Review status: criteria provided, single submitter. Criteria: ICSLVariantClassificationCriteria RUGD 01 April 2020. Collection method: clinical testing. Allele origin: unknown.
Comment: Control data are unavailable for this variant, which is not found in the Genome Aggregation Database in a region of good sequence coverage, so the variant is presumed to be rare. A minigene assay revealed that the c.918-6T>G variant disrupts splicing and leads to skipping of exon 6 (Li et al. 2019). Based on application of ACMG criteria, the c.918-6T>G variant is classified as likely pathogenic for osteogenesis imperfecta with or without joint contractures.

Literature cited by the submitters: PubMed 30715774.